The following is an entry in ClinVar:

NM_000051.4(ATM):c.2466A>C (p.Leu822Phe)

Gene: ATM (ATM serine/threonine kinase; plus strand). Cytogenetic location: 11q22.3.
Variant type: single nucleotide variant.
Coding change: c.2466A>C on transcript NM_000051.4 (MANE Select); coding-DNA position 2466, A replaced by C.
Protein change: p.Leu822Phe; replaces leucine 822 with phenylalanine.
Molecular consequence: missense variant.
Genome position (GRCh38, 1-based): chr11:108,259,075, A>C. VCF-style: chr11-108259075-A-C. GRCh37 (hg19) VCF-style: chr11-108129802-A-C.
Other names: c.2466A>C, p.Leu822Phe (NM_001351834.2); short protein forms L822F.
Identifiers: ClinVar variation 628718 (VCV000628718.7), dbSNP rs747108452, ClinGen allele CA382541429.

ClinVar aggregate classification (germline): Uncertain significance. Review status: criteria provided, multiple submitters, no conflicts (2 of 4 stars). 2 submissions from 2 submitters: Uncertain significance (2). Last evaluated 2019-05-03.

Conditions:
Hereditary cancer-predisposing syndrome. Also called: Neoplastic Syndromes, Hereditary; Tumor predisposition; Hereditary neoplastic syndrome; Hereditary Cancer Syndrome. Identifiers: Orphanet 140162, MedGen C0027672, MeSH D009386, MONDO:0015356.

Submissions (2):

Ambry Genetics
Classification: Uncertain significance for Hereditary cancer-predisposing syndrome. Last evaluated: 2019-05-03. Review status: criteria provided, single submitter. Criteria: Ambry Variant Classification Scheme 2023. Collection method: clinical testing. Allele origin: germline.
Comment: The p.L822F variant (also known as c.2466A>C), located in coding exon 15 of the ATM gene, results from an A to C substitution at nucleotide position 2466. The amino acid change results in leucine to phenylalanine at codon 822, an amino acid with highly similar properties. This amino acid position is well conserved in available vertebrate species. In addition, this alteration is predicted to be tolerated by in silico analysis. Since supporting evidence is limited at this time, the clinical significance of this alteration remains unclear.

Color Diagnostics, LLC DBA Color Health
Classification: Uncertain significance for Hereditary cancer-predisposing syndrome. Last evaluated: 2018-12-21. Review status: criteria provided, single submitter. Criteria: ACMG Guidelines, 2015. Collection method: clinical testing. Allele origin: germline.